The following is an entry in ClinVar:

NM_152296.5(ATP1A3):c.7-5C>G

Gene: ATP1A3 (ATPase Na+/K+ transporting subunit alpha 3; minus strand). Cytogenetic location: 19q13.2.
Variant type: single nucleotide variant.
Coding change: c.7-5C>G on transcript NM_152296.5 (MANE Select); 5 bases into the intron before coding-DNA position 7, C replaced by G.
Molecular consequence: intron variant. On other transcripts: missense variant (1).
Genome position (GRCh38, 1-based): chr19:41,988,567, G>C on the plus strand (C>G on the coding strand, the complement: ATP1A3 is on the minus strand). VCF-style: chr19-41988567-G-C. GRCh37 (hg19) VCF-style: chr19-42492719-G-C.
Other names: c.41C>G, p.Ser14Trp (NM_001256214.2); c.40-5C>G (NM_001256213.2); short protein forms S14W.
Identifiers: ClinVar variation 1313574 (VCV001313574.2), dbSNP rs782717626, ClinGen allele CA406058135.

ClinVar aggregate classification (germline): Uncertain significance (1 of 4 stars; one submission).

gnomAD v4.1: 2 of 1,614,134 alleles (0.00012%); highest among the groups gnomAD compares: South Asian, 0.0022%; no homozygotes.

Submission:

GeneDx
Classification: Uncertain significance. Last evaluated: 2020-10-21. Review status: criteria provided, single submitter. Criteria: GeneDx Variant Classification Process June 2021. Collection method: clinical testing. Allele origin: germline. Affected: yes.
Comment: Not observed in large population cohorts (Lek et al., 2016); In silico analysis supports a deleterious effect on splicing; Has not been previously published as pathogenic or benign to our knowledge